The following is an entry in ClinVar:

ClinVar aggregate classification (germline): Conflicting classifications of pathogenicity. Review status: criteria provided, conflicting classifications (1 of 4 stars). 7 submissions from 7 submitters: Pathogenic (1); Likely pathogenic (4); Uncertain significance (1). 1 of the submissions does not count toward it. Last evaluated 2026-08-07.

Conditions:
Enhanced S-cone syndrome (ESCS). Identifiers: Orphanet 53540, MedGen C1849394, MONDO:0100288, MONDO:0009989.
Retinitis pigmentosa 37 (RP37). Identifiers: Orphanet 791, MedGen C1970163, MONDO:0012625, OMIM 611131.
Goldmann-Favre syndrome. Identifiers: Orphanet 53540, MedGen C0339541, MONDO:0100289.
ENHANCED S-CONE SYNDROME 1 (ESCS1). Also called: RETINOSCHISIS WITH EARLY HEMERALOPIA; FAVRE HYALOIDEORETINAL DEGENERATION. Identifiers: MedGen CN380299, OMIM 268100.
NR2E3-related disorder. Also called: NR2E3-related disorders; NR2E3-related condition. Identifiers: MedGen CN239387.

Allele frequency attached by ClinVar (database versions not stated): TOPMed 0.00001; ExAC 0.00002; gnomAD 0.00003; gnomAD exomes 0.00003.

Submissions (7):

Myriad Genetics, Inc.
Classification: Likely pathogenic for ENHANCED S-CONE SYNDROME 1. Last evaluated: 2026-08-07. Review status: criteria provided, single submitter. Criteria: Myriad Autosomal Dominant, Autosomal Recessive and X-Linked Classification Criteria (2023). Collection method: clinical testing. Allele origin: unknown.
Comment: NM_014249.2(NR2E3):c.229C>T(R77W) is undefined variant classified as likely pathogenic in the context of enhanced S-cone syndrome. R77W has been observed in cases with relevant disease (PMID: 36067420, 37459066, 39787524, 42135558). Relevant functional assessments of this variant are not available in the literature. R77W has been observed in referenced population frequency databases. In summary, NM_014249.2(NR2E3):c.229C>T(R77W) is undefined variant that has been observed more frequently in cases with the relevant disease than in healthy populations. Please note: this variant was assessed in the context of healthy population screening.

Labcorp Genetics (formerly Invitae), Labcorp
Classification: Uncertain significance. Last evaluated: 2025-09-08. Review status: criteria provided, single submitter. Criteria: Invitae Variant Classification Sherloc (09022015). Collection method: clinical testing. Allele origin: germline.
Comment: This sequence change replaces arginine, which is basic and polar, with tryptophan, which is neutral and slightly polar, at codon 77 of the NR2E3 protein (p.Arg77Trp). This variant is present in population databases (rs779903522, gnomAD 0.01%). This missense change has been observed in individual(s) with NR2E3-related conditions (PMID: 36067420). ClinVar contains an entry for this variant (Variation ID: 991922). Invitae Evidence Modeling of protein sequence and biophysical properties (such as structural, functional, and spatial information, amino acid conservation, physicochemical variation, residue mobility, and thermodynamic stability) indicates that this missense variant is expected to disrupt NR2E3 protein function with a positive predictive value of 80%. In summary, the available evidence is currently insufficient to determine the role of this variant in disease. Therefore, it has been classified as a Variant of Uncertain Significance.

First Genomix Gene Laboratory, Genetic Diagnostics Department
Classification: Likely pathogenic for ENHANCED S-CONE SYNDROME 1; Retinitis pigmentosa 37. Last evaluated: 2025-05-22. Review status: criteria provided, single submitter. Criteria: ACMG Guidelines, 2015. Collection method: clinical testing. Allele origin: germline. Inheritance: Autosomal recessive inheritance. Affected: no. Observed: 1 variant allele.

Fulgent Genetics
Classification: Likely pathogenic for ENHANCED S-CONE SYNDROME 1; Retinitis pigmentosa 37. Last evaluated: 2024-06-23. Review status: criteria provided, single submitter. Criteria: ACMG Guidelines, 2015. Collection method: clinical testing. Allele origin: germline.

Baylor Genetics
Classification: Likely pathogenic for ENHANCED S-CONE SYNDROME 1. Last evaluated: 2024-02-17. Review status: criteria provided, single submitter. Criteria: ACMG Guidelines, 2015. Collection method: clinical testing. Allele origin: unknown.

Blueprint Genetics
Classification: Pathogenic for NR2E3-related disorders. Last evaluated: 2024-02-07. Review status: criteria provided, single submitter. Criteria: ACMG Guidelines, 2015. Collection method: clinical testing. Allele origin: germline. Affected: yes. Observed: 5 variant alleles.

Natera, Inc.
Classification: Uncertain significance for Goldmann-Favre syndrome. Last evaluated: 2020-11-11. Review status: no assertion criteria provided. Collection method: clinical testing. Allele origin: germline. Not counted in ClinVar's aggregate classification.

Literature cited by the submitters: PubMed 36067420 (cited by Myriad Genetics, Inc. and Labcorp Genetics (formerly Invitae), Labcorp); PubMed 37459066 (cited by Myriad Genetics, Inc.); PubMed 39787524 (cited by Myriad Genetics, Inc.); PubMed 42135558 (cited by Myriad Genetics, Inc.).

NM_014249.4(NR2E3):c.229C>T (p.Arg77Trp)

Gene: NR2E3 (nuclear receptor subfamily 2 group E member 3; plus strand). Cytogenetic location: 15q23.
Variant type: single nucleotide variant.
Coding change: c.229C>T on transcript NM_014249.4 (MANE Select); coding-DNA position 229, C replaced by T.
Protein change: p.Arg77Trp; replaces arginine 77 with tryptophan.
Molecular consequence: missense variant.
Genome position (GRCh38, 1-based): chr15:71,811,593, C>T. VCF-style: chr15-71811593-C-T. GRCh37 (hg19) VCF-style: chr15-72103933-C-T.
Other names: c.229C>T, p.Arg77Trp (NM_016346.4); c.229C>T (NM_014249.2); short protein forms R77W.
Identifiers: ClinVar variation 991922 (VCV000991922.12), dbSNP rs779903522, ClinGen allele CA7640247.